The following is an entry in ClinVar:

ClinVar aggregate classification (germline): Uncertain significance (1 of 4 stars; one submission).

Conditions:
Cardiovascular phenotype. Identifiers: MedGen CN230736.

Submission:

Ambry Genetics
Classification: Uncertain significance for Cardiovascular phenotype. Last evaluated: 2026-04-25. Review status: criteria provided, single submitter. Criteria: Ambry Variant Classification Scheme 2023. Collection method: clinical testing. Allele origin: germline.
Comment: The p.S323L variant (also known as c.968C>T), located in coding exon 7 of the SPRED1 gene, results from a C to T substitution at nucleotide position 968. The serine at codon 323 is replaced by leucine, an amino acid with dissimilar properties. This amino acid position is conserved. In addition, the in silico prediction for this alteration is inconclusive. Based on the available evidence, the clinical significance of this variant remains unclear.

NM_152594.3(SPRED1):c.968C>T (p.Ser323Leu)

Gene: SPRED1 (sprouty related EVH1 domain containing 1; plus strand). Cytogenetic location: 15q14.
Variant type: single nucleotide variant.
Coding change: c.968C>T on transcript NM_152594.3 (MANE Select); coding-DNA position 968, C replaced by T.
Protein change: p.Ser323Leu; replaces serine 323 with leucine.
Molecular consequence: missense variant.
Genome position (GRCh38, 1-based): chr15:38,351,297, C>T. VCF-style: chr15-38351297-C-T. GRCh37 (hg19) VCF-style: chr15-38643498-C-T.
Other names: short protein forms S323L.
Identifiers: ClinVar variation 4865026 (VCV004865026.1).